The following is an entry in ClinVar:

ClinVar aggregate classification (germline): Benign/Likely benign. Review status: criteria provided, multiple submitters, no conflicts (2 of 4 stars). 3 submissions from 3 submitters: Benign (1); Likely benign (1). 1 of the submissions does not count toward it. Last evaluated 2024-10-23.

Conditions:
KBG syndrome (KBGS). Also called: ANKRD11-Related KBG Syndrome. Identifiers: Orphanet 2332, MedGen C0220687, MONDO:0007846, OMIM 148050.
ANKRD11-related disorder. Also called: ANKRD11-related condition.
Inborn genetic diseases. Identifiers: MedGen C0950123, MeSH D030342.

Allele frequency attached by ClinVar (database versions not stated): gnomAD 0.00006; gnomAD exomes 0.00007; TOPMed 0.00007; ESP Exome Variant Server 0.00008; ExAC 0.00015; 1000 Genomes Project 30x 0.00031; 1000 Genomes Project 0.00040.
gnomAD v4.1: 108 of 1,609,044 alleles (0.0067%); highest among the groups gnomAD compares: East Asian, 0.11%; no homozygotes.

Submissions (3):

Labcorp Genetics (formerly Invitae), Labcorp
Classification: Benign for KBG syndrome. Last evaluated: 2024-10-23. Review status: criteria provided, single submitter. Criteria: Invitae Variant Classification Sherloc (09022015). Collection method: clinical testing. Allele origin: germline.

Ambry Genetics
Classification: Likely benign for Inborn genetic diseases. Last evaluated: 2017-12-05. Review status: criteria provided, single submitter. Criteria: Ambry Variant Classification Scheme 2023. Collection method: clinical testing. Allele origin: germline.

PreventionGenetics, part of Exact Sciences
Classification: Likely benign for ANKRD11-related condition. Last evaluated: 2022-11-08. Review status: no assertion criteria provided. Collection method: clinical testing. Allele origin: germline. Not counted in ClinVar's aggregate classification.
Comment: This variant is classified as likely benign based on ACMG/AMP sequence variant interpretation guidelines (Richards et al. 2015 PMID: 25741868, with internal and published modifications).

NM_013275.6(ANKRD11):c.5464G>A (p.Asp1822Asn)

Gene: ANKRD11 (ankyrin repeat domain 11; minus strand). Cytogenetic location: 16q24.3.
Variant type: single nucleotide variant.
Coding change: c.5464G>A on transcript NM_013275.6 (MANE Select); coding-DNA position 5464, G replaced by A.
Protein change: p.Asp1822Asn; replaces aspartic acid 1822 with asparagine.
Molecular consequence: missense variant.
Genome position (GRCh38, 1-based): chr16:89,281,078, C>T on the plus strand (G>A on the coding strand, the complement: ANKRD11 is on the minus strand). VCF-style: chr16-89281078-C-T. GRCh37 (hg19) VCF-style: chr16-89347486-C-T.
Other names: c.5464G>A, p.Asp1822Asn (NM_001256182.2, NM_001256183.2); c.5464G>A (NM_013275.5); short protein forms D1822N.
Identifiers: ClinVar variation 1747685 (VCV001747685.9), dbSNP rs373805397, ClinGen allele CA8241835.
Genomic context (GRCh38, chr16:89,281,078, plus strand): 5'-TCTCCGCGGGAACCGGGGGCAGGGGCGCCCTGTCTTCCATCGAGGGTGGCATGGGAGAGT[C>T]GTAGCTGGAGGCAGCAGGAACGCTCTGCTGCCTGAAGAGCTTGTCTCCGACGCTGAATTC-3'
Protein context (NP_037407.4, residues 1812-1832): QQSVPAASSY[Asp1822Asn]SPMPPSMEDR